The following is an entry in ClinVar:

NM_006268.5(DPF2):c.884G>C (p.Cys295Ser)

Gene: DPF2 (double PHD fingers 2; plus strand). Cytogenetic location: 11q13.1.
Variant type: single nucleotide variant.
Coding change: c.884G>C on transcript NM_006268.5 (MANE Select); coding-DNA position 884, G replaced by C.
Protein change: p.Cys295Ser; replaces cysteine 295 with serine.
Molecular consequence: missense variant.
Genome position (GRCh38, 1-based): chr11:65,346,038, G>C. VCF-style: chr11-65346038-G-C. GRCh37 (hg19) VCF-style: chr11-65113509-G-C.
Other names: c.926G>C, p.Cys309Ser (NM_001330308.2); short protein forms C295S, C309S.
Identifiers: ClinVar variation 1059184 (VCV001059184.9), dbSNP rs2137704060, ClinGen allele CA381254419.

ClinVar aggregate classification (germline): Uncertain significance (1 of 4 stars; one submission).

Submission:

Labcorp Genetics (formerly Invitae), Labcorp
Classification: Uncertain significance. Last evaluated: 2018-05-12. Review status: criteria provided, single submitter. Criteria: Invitae Variant Classification Sherloc (09022015). Collection method: clinical testing. Allele origin: germline.
Comment: In summary, the available evidence is currently insufficient to determine the role of this variant in disease. Therefore, it has been classified as a Variant of Uncertain Significance. Algorithms developed to predict the effect of missense changes on protein structure and function do not agree on the potential impact of this missense change (SIFT: "Deleterious"; PolyPhen-2: "Probably Damaging"; Align-GVGD: "Class C0"). This variant has not been reported in the literature in individuals with DPF2-related disease. This variant is not present in population databases (ExAC no frequency). This sequence change replaces cysteine with serine at codon 309 of the DPF2 protein (p.Cys309Ser). The cysteine residue is highly conserved and there is a moderate physicochemical difference between cysteine and serine.